The following is an entry in ClinVar:

NM_003590.5(CUL3):c.1377+3A>G

Gene: CUL3 (cullin 3; minus strand). Cytogenetic location: 2q36.2.
Variant type: single nucleotide variant.
Coding change: c.1377+3A>G on transcript NM_003590.5 (MANE Select); 3 bases into the intron after coding-DNA position 1377, A replaced by G.
Molecular consequence: intron variant.
Genome position (GRCh38, 1-based): chr2:224,503,649, T>C on the plus strand (A>G on the coding strand, the complement: CUL3 is on the minus strand). VCF-style: chr2-224503649-T-C. GRCh37 (hg19) VCF-style: chr2-225368366-T-C.
Other names: EX9_a(+3)g; c.1179+3A>G (NM_001257197.2); c.1395+3A>G (NM_001257198.2).
Identifiers: ClinVar variation 100526 (VCV000100526.4), dbSNP rs199469661, ClinGen allele CA269966.

ClinVar aggregate classification (germline): Uncertain significance. Review status: criteria provided, single submitter (1 of 4 stars). 2 submissions from 2 submitters: Uncertain significance (1). 1 of the submissions does not count toward it. Last evaluated 2025-01-22.

Conditions:
Pseudohypoaldosteronism type 2E (PHA2E). Also called: Pseudohypoaldosteronism Type IIE. Identifiers: Orphanet 300530, Orphanet 757, MedGen C3469606, MONDO:0013782, OMIM 614496.
Pseudohypoaldosteronism type 2A (PHA2A). Also called: GORDON HYPERKALEMIA-HYPERTENSION SYNDROME; HYPERTENSIVE HYPERKALEMIA, FAMILIAL. Identifiers: Orphanet 757, Orphanet 88938, MedGen C1840389, MONDO:0007772, OMIM 145260.

Submissions (2):

Victorian Clinical Genetics Services, Murdoch Childrens Research Institute
Classification: Uncertain significance for Pseudohypoaldosteronism type 2E. Last evaluated: 2025-01-22. Review status: criteria provided, single submitter. Criteria: ACMG Guidelines, 2015. Collection method: clinical testing. Allele origin: germline. Affected: yes.
Comment: This variant is classified as VUS-3A. Evidence in support of pathogenic classification: Non-canonical splice site variant without proven consequence on splicing (no functional evidence available); Variant is absent from gnomAD (v2, v3 and v4); This variant has limited previous evidence of pathogenicity in an unrelated individual(s). This variant has been reported in the literature in an individual with pseudohypoaldosteronism, type II and classified as pathogenic (PMID: 22266938); Another splice variant comparable to the one identified in this case has limited previous evidence for pathogenicity. c.1337+3A>T has been reported in the literature in an individual with familial hyperkalaemic hypertension (PMID: 34622103). Evidence in support of benign classification: Abnormal splicing is not predicted and nucleotide is poorly conserved. Additional information: This variant is heterozygous; This gene is associated with autosomal dominant disease; No published segregation evidence has been identified for this variant; No published functional evidence has been identified for this variant; Loss of function is a known mechanism of disease in this gene and is associated with neurodevelopmental disorder with or without autism or seizures (MIM#619239). Other variants that result in the skipping of exon 9 are associated with pseudohypoaldosteronism, type IIE (MIM#614496) due to CUL3 dysfunction; however, the exact mechanism of disease for this condition is unknown (PMID: 29361671); Variants in this gene are known to have variable expressivity with regards to neurodevelopmental disorder with or without autism or seizures (OMIM); Inheritance information for this variant is not currently available in this individual.

Richard Lifton Laboratory, Yale University School of Medicine
Classification: Pathogenic for Pseudohypoaldosteronism, type 2. Review status: no assertion criteria provided. Collection method: not provided. Allele origin: germline. Not counted in ClinVar's aggregate classification.
Comment: dominant;intron 9 splice donor
ClinVar note: Converted during submission from pathogenic to Pathogenic.

Literature cited by the submitters: PubMed 22266938 (cited by Victorian Clinical Genetics Services, Murdoch Childrens Research Institute); PubMed 29361671 (cited by Victorian Clinical Genetics Services, Murdoch Childrens Research Institute); PubMed 34622103 (cited by Victorian Clinical Genetics Services, Murdoch Childrens Research Institute).